The following is an entry in ClinVar:

ClinVar aggregate classification (germline): Likely benign (1 of 4 stars; one submission).

Conditions:
PLXNA1-related disorder. Also called: PLXNA1-related condition.

gnomAD v4.1: 46 of 1,612,364 alleles (0.0029%); highest among the groups gnomAD compares: Non-Finnish European, 0.0039%; 1 homozygote.

Submission:

PreventionGenetics, part of Exact Sciences
Classification: Likely benign for PLXNA1-related condition. Last evaluated: 2026-07-28. Review status: criteria provided, single submitter. Criteria: ACMG Guidelines, 2015. Collection method: clinical testing. Allele origin: germline.
Comment: This variant is classified as likely benign based on ACMG/AMP sequence variant interpretation guidelines (Richards et al. 2015 PMID: 25741868, with internal and published modifications).

NM_032242.4(PLXNA1):c.1311G>A (p.Val437=)

Gene: PLXNA1 (plexin A1; plus strand). Cytogenetic location: 3q21.3.
Variant type: single nucleotide variant.
Coding change: c.1311G>A on transcript NM_032242.4 (MANE Select); coding-DNA position 1311, G replaced by A.
Protein change: p.Val437=; no amino-acid change (valine 437 retained).
Molecular consequence: synonymous variant.
Genome position (GRCh38, 1-based): chr3:126,991,500, G>A. VCF-style: chr3-126991500-G-A. GRCh37 (hg19) VCF-style: chr3-126710343-G-A.
Identifiers: ClinVar variation 4983495 (VCV004983495.1).